The following is an entry in ClinVar:

ClinVar aggregate classification (germline): Likely benign (0 of 4 stars; one submission).

Conditions:
EOGT-related disorder. Also called: EOGT-related condition.

Submission:

PreventionGenetics, part of Exact Sciences
Classification: Likely benign for EOGT-related condition. Last evaluated: 2024-07-23. Review status: no assertion criteria provided. Collection method: clinical testing. Allele origin: germline.
Comment: This variant is classified as likely benign based on ACMG/AMP sequence variant interpretation guidelines (Richards et al. 2015 PMID: 25741868, with internal and published modifications).

NM_001278689.2(EOGT):c.909T>G (p.Thr303=)

Gene: EOGT (EGF domain specific O-linked N-acetylglucosamine transferase; minus strand). Cytogenetic location: 3p14.1.
Variant type: single nucleotide variant.
Coding change: c.909T>G on transcript NM_001278689.2 (MANE Select); coding-DNA position 909, T replaced by G.
Protein change: p.Thr303=; no amino-acid change (threonine 303 retained).
Molecular consequence: synonymous variant. On other transcripts: non-coding transcript variant (1), intron variant (1).
Genome position (GRCh38, 1-based): chr3:68,988,940, A>C on the plus strand (T>G on the coding strand, the complement: EOGT is on the minus strand). VCF-style: chr3-68988940-A-C. GRCh37 (hg19) VCF-style: chr3-69038091-A-C.
Other names: c.832-1427T>G (NM_173654.3).
Identifiers: ClinVar variation 3350341 (VCV003350341.1).